The following is an entry in ClinVar:

ClinVar aggregate classification (germline): Likely benign. Review status: criteria provided, multiple submitters, no conflicts (2 of 4 stars). 3 submissions from 3 submitters: Likely benign (3). Last evaluated 2024-03-12.

Conditions:
Aortic aneurysm, familial thoracic 8 (AAT8). Identifiers: MedGen C3809513, MONDO:0014187, OMIM 615436.
Connective tissue disorder. Also called: Connective tissue disease. Identifiers: MedGen C0009782, MONDO:0003900.

Allele frequency attached by ClinVar (database versions not stated): gnomAD 0.00001; gnomAD exomes 0.00001; 1000 Genomes Project 30x 0.00016.
gnomAD v4.1: 20 of 1,610,166 alleles (0.0012%); highest among the groups gnomAD compares: Non-Finnish European, 0.0017%; no homozygotes.

Submissions (3):

Labcorp Genetics (formerly Invitae), Labcorp
Classification: Likely benign for Aortic aneurysm, familial thoracic 8. Last evaluated: 2024-03-12. Review status: criteria provided, single submitter. Criteria: Invitae Variant Classification Sherloc (09022015). Collection method: clinical testing. Allele origin: germline.

Center for Human Genetics, Inc
Classification: Likely benign for Connective tissue disorder. Last evaluated: 2018-06-01. Review status: criteria provided, single submitter. Criteria: ACMG Guidelines, 2015. Collection method: clinical testing. Allele origin: germline. Affected: yes.

GeneDx
Classification: Likely benign. Last evaluated: 2018-03-06. Review status: criteria provided, single submitter. Criteria: GeneDx Variant Classification (06012015). Collection method: clinical testing. Allele origin: germline. Affected: yes.
Comment: This variant is considered likely benign or benign based on one or more of the following criteria: it is a conservative change, it occurs at a poorly conserved position in the protein, it is predicted to be benign by multiple in silico algorithms, and/or has population frequency not consistent with disease.

NM_006258.4(PRKG1):c.1174-15C>T

Gene: PRKG1 (protein kinase cGMP-dependent 1; plus strand). Cytogenetic location: 10q21.1.
Variant type: single nucleotide variant.
Coding change: c.1174-15C>T on transcript NM_006258.4 (MANE Select); 15 bases into the intron before coding-DNA position 1174, C replaced by T.
Molecular consequence: intron variant.
Genome position (GRCh38, 1-based): chr10:52,271,335, C>T. VCF-style: chr10-52271335-C-T. GRCh37 (hg19) VCF-style: chr10-54031095-C-T.
Other names: c.1129-15C>T (LRG_1135t2, NM_001098512.3); c.1174-15C>T (LRG_1135t1).
Identifiers: ClinVar variation 516011 (VCV000516011.4), dbSNP rs41280442, ClinGen allele CA207399788.